The following is an entry in ClinVar:

NM_000218.3(KCNQ1):c.1095_1096delinsAT (p.Asn365_Arg366delinsLysTrp)

Gene: KCNQ1 (potassium voltage-gated channel subfamily Q member 1; plus strand). Cytogenetic location: 11p15.5.
Variant type: Indel.
Coding change: c.1095_1096delinsAT on transcript NM_000218.3 (MANE Select); coding-DNA positions 1095 to 1096, CC replaced by AT.
Protein change: p.Asn365_Arg366delinsLysTrp.
Molecular consequence: missense variant. On other transcripts: intron variant (2).
Genome position (GRCh38, 1-based): chr11:2,585,274-2,585,275, CC replaced by AT. VCF-style: chr11-2585274-CC-AT. GRCh37 (hg19) VCF-style: chr11-2606504-CC-AT.
Other names: c.825_826delinsAT, p.Asn275_Arg276delinsLysTrp (NM_001406837.1); c.714_715delinsAT, p.Asn238_Arg239delinsLysTrp (NM_181798.2); c.1032+1729_1032+1730delinsAT (NM_001406836.1); c.588+1729_588+1730delinsAT (NM_001406838.1).
Identifiers: ClinVar variation 2811762 (VCV002811762.4), dbSNP rs2493700906, ClinGen allele CA2739276107.

ClinVar aggregate classification (germline): Pathogenic/Likely pathogenic. Review status: criteria provided, multiple submitters, no conflicts (2 of 4 stars). 2 submissions from 2 submitters: Pathogenic (1); Likely pathogenic (1). Last evaluated 2026-02-16.

Conditions:
Cardiovascular phenotype. Identifiers: MedGen CN230736.
Long QT syndrome (LQTS). Identifiers: MedGen C0023976, MeSH D008133, MONDO:0002442. Disease mechanism: loss of function. Inheritance: Various modes of inheritance.

Submissions (2):

Ambry Genetics
Classification: Likely pathogenic for Cardiovascular phenotype. Last evaluated: 2026-02-16. Review status: criteria provided, single submitter. Criteria: Ambry Variant Classification Scheme 2023. Collection method: clinical testing. Allele origin: germline.
Comment: The c.1095_1096delCCinsAT variant (also known as p.N365_R366delinsKW), located in coding exon 8 of the KCNQ1 gene, results from an in-frame deletion of CC and insertion of AT at nucleotide positions 1095 to 1096. This results in the substitution of asparagine and arginine residues for lysine and tryptophan residues at codons 365 and 366. This amino acid region is highly conserved in available vertebrate species, and the impacted region is critical for protein function (Ambry internal data). In addition, this variant is predicted to be deleterious by in silico analysis (Choi Y et al. PLoS ONE. 2012; 7(10):e46688). This variant is considered to be rare based on population cohorts in the Genome Aggregation Database (gnomAD). Based on the majority of available evidence to date, this variant is likely to be pathogenic.

Labcorp Genetics (formerly Invitae), Labcorp
Classification: Pathogenic for Long QT syndrome. Last evaluated: 2024-11-24. Review status: criteria provided, single submitter. Criteria: Invitae Variant Classification Sherloc (09022015). Collection method: clinical testing. Allele origin: germline.
Comment: This variant, c.1095_1096delinsAT, is a complex sequence change that results in the deletion of 2 and insertion of 2 amino acid(s) in the KCNQ1 protein (p.Asn365_Arg366delinsLysTrp). Information on the frequency of this variant in the gnomAD database is not available, as this variant may be reported differently in the database. This variant has not been reported in the literature in individuals affected with KCNQ1-related conditions. ClinVar contains an entry for this variant (Variation ID: 2811762). Experimental studies and prediction algorithms are not available or were not evaluated, and the functional significance of this variant is currently unknown. This variant disrupts a region of the KCNQ1 protein in which other variant(s) (p.Arg366Trp) have been determined to be pathogenic (PMID: 9693036, 15840476, 16556865, 19716085, 22949429). This suggests that this is a clinically significant region of the protein, and that variants that disrupt it are likely to be disease-causing. For these reasons, this variant has been classified as Pathogenic.

Literature cited by the submitters: PubMed 9693036 (cited by Labcorp Genetics (formerly Invitae), Labcorp); PubMed 15840476 (cited by Labcorp Genetics (formerly Invitae), Labcorp); PubMed 16556865 (cited by Labcorp Genetics (formerly Invitae), Labcorp); PubMed 19716085 (cited by Labcorp Genetics (formerly Invitae), Labcorp); PubMed 22949429 (cited by Labcorp Genetics (formerly Invitae), Labcorp).